The following is an entry in ClinVar:

ClinVar aggregate classification (germline): Uncertain significance (1 of 4 stars; one submission).

Conditions:
Pancytopenia due to IKZF1 mutations. Also called: Immunodeficiency, common variable, 13. Identifiers: Orphanet 317473, MedGen C4225173, MONDO:0014810, OMIM 616873.

Allele frequency attached by ClinVar (database versions not stated): TOPMed 0.00003.
gnomAD v4.1: 8 of 152,286 alleles (0.0053%); highest among the groups gnomAD compares: South Asian, 0.021%; no homozygotes.

Submission:

Baylor Genetics
Classification: Uncertain significance for Pancytopenia due to IKZF1 mutations. Last evaluated: 2018-05-08. Review status: criteria provided, single submitter. Criteria: ACMG Guidelines, 2015. Collection method: clinical testing. Allele origin: unknown. Affected: yes.
Comment: This variant was determined to be of uncertain significance according to ACMG Guidelines, 2015 [PMID:25741868].

NM_006060.6(IKZF1):c.715+167C>T

Gene: IKZF1 (IKAROS family zinc finger 1; plus strand). Cytogenetic location: 7p12.2.
Variant type: single nucleotide variant.
Coding change: c.715+167C>T on transcript NM_006060.6 (MANE Select); 167 bases into the intron after coding-DNA position 715, C replaced by T.
Molecular consequence: intron variant.
Genome position (GRCh38, 1-based): chr7:50,387,637, C>T. VCF-style: chr7-50387637-C-T. GRCh37 (hg19) VCF-style: chr7-50455335-C-T.
Other names: c.329-4092C>T (NM_001291839.2, NM_001220770.2); c.590-4092C>T (NM_001220765.3, NM_001291837.2); c.454+167C>T (NM_001291838.2, NM_001220767.2); c.589+4930C>T (NM_001220768.2); c.421+10844C>T (NM_001220771.2); c.286+167C>T (NM_001291841.1, NM_001291842.1); c.161-4092C>T (NM_001291843.1, NM_001291844.1); c.161-12281C>T (NM_001291840.1).
Identifiers: ClinVar variation 1032403 (VCV001032403.1), dbSNP rs549144523, ClinGen allele CA158218045.
Genomic context (GRCh38, chr7:50,387,637, plus strand): 5'-CCTGCCGGGGCTAGGAGGGAGGGAAGTTTTTGGCCAATAGCATCAGTTTCACCAGAAGCA[C>T]GTTGTGCTTCCCAGCTTTCTAGGTCCTCATCTGACCAGAGAGAGCTTGATTTTAAAACCC-3'